The following is an entry in ClinVar:

ClinVar aggregate classification (germline): Uncertain significance (1 of 4 stars; one submission).

Conditions:
Hereditary pancreatitis (PCTT). Also called: Hereditary chronic pancreatitis; PRSS1-Related Hereditary Pancreatitis. Identifiers: Orphanet 676, MedGen C0238339, MONDO:0008185, OMIM 167800.

Submission:

Ambry Genetics
Classification: Uncertain significance for Hereditary pancreatitis. Last evaluated: 2023-09-25. Review status: criteria provided, single submitter. Criteria: Ambry Variant Classification Scheme 2023. Collection method: clinical testing. Allele origin: germline.
Comment: The p.V6I variant (also known as c.16G>A), located in coding exon 1 of the CTRC gene, results from a G to A substitution at nucleotide position 16. The valine at codon 6 is replaced by isoleucine, an amino acid with highly similar properties. This amino acid position is conserved. In addition, this alteration is predicted to be tolerated by in silico analysis. Since supporting evidence is limited at this time, the clinical significance of this alteration remains unclear.

NM_007272.3(CTRC):c.16G>A (p.Val6Ile)

Gene: CTRC (chymotrypsin C; plus strand). Cytogenetic location: 1p36.21.
Variant type: single nucleotide variant.
Coding change: c.16G>A on transcript NM_007272.3 (MANE Select); coding-DNA position 16, G replaced by A.
Protein change: p.Val6Ile; replaces valine 6 with isoleucine.
Molecular consequence: missense variant.
Genome position (GRCh38, 1-based): chr1:15,438,480, G>A. VCF-style: chr1-15438480-G-A. GRCh37 (hg19) VCF-style: chr1-15764976-G-A.
Other names: short protein forms V6I.
Identifiers: ClinVar variation 3226054 (VCV003226054.1), dbSNP rs1424073260, ClinGen allele CA338563606.